The following is an entry in ClinVar:

ClinVar aggregate classification (germline): Conflicting classifications of pathogenicity. Review status: criteria provided, conflicting classifications (1 of 4 stars). 4 submissions from 4 submitters: Likely pathogenic (3); Uncertain significance (1). Last evaluated 2025-02-05.

Conditions:
Neurofibromatosis, type 1 (NF1). Also called: Neurofibromatosis, type I; VON RECKLINGHAUSEN DISEASE; NEUROFIBROMATOSIS, TYPE I, SOMATIC; Peripheral type neurofibromatosis. Identifiers: Orphanet 636, MedGen C0027831, MONDO:0018975, OMIM 162200. Disease mechanism: loss of function.

Submissions (4):

St. Jude Molecular Pathology, St. Jude Children's Research Hospital
Classification: Likely pathogenic for Neurofibromatosis, type 1. Last evaluated: 2025-02-05. Review status: criteria provided, single submitter. Criteria: St. Jude Assertion Criteria 2020. Collection method: clinical testing. Allele origin: germline.
Comment: The NF1 c.5870T>G (p.Leu1957Arg) missense change is absent in gnomAD v2.1.1. The in silico tool REVEL predicts a deleterious effect on protein function, but to our knowledge this prediction has not been confirmed by functional studies. Another missense variant at the same amino acid residue, p.Leu1957Pro, has been reported in an individual with Neurofibromatosis Type 1 and is known to be pathogenic (PMID: 27838393). Of note, the NM_000267.3:c.5870T>G (p.Leu1957Arg) NF1 variant corresponds to NM_001042492.3:c.5933T>G (p.Leu1978Arg) in the MANE select transcript. In summary, this variant meets criteria to be classified as likely pathogenic.

NHS Central & South Genomic Laboratory Hub
Classification: Likely pathogenic for Neurofibromatosis type 1. Last evaluated: 2024-11-11. Review status: criteria provided, single submitter. Criteria: ACMG Guidelines, 2015. Collection method: clinical testing. Allele origin: germline. Affected: yes.

3billion
Classification: Likely pathogenic for Neurofibromatosis, type 1. Last evaluated: 2021-10-02. Review status: criteria provided, single submitter. Criteria: ACMG Guidelines, 2015. Collection method: clinical testing. Allele origin: germline. Affected: yes. Observed: 1 heterozygote.
Comment: The variant was observed as assumed (i.e. paternity and maternity not confirmed) de novoo (3billion dataset, PM6). It is not observed in the gnomAD v2.1.1 dataset (PM2). In silico tool predictions suggest damaging effect of the variant on gene or gene product (REVEL: 0.638, 3Cnet: 0.995, PP3). Patient's phenotype is considered compatible with Neurofibromatosis-Noonan syndrome (3billion dataset, PP4). Therefore, this variant is classified as likely pathogenic according to the recommendation of ACMG/AMP guideline

Genome Diagnostics Laboratory, The Hospital for Sick Children
Classification: Uncertain significance for Neurofibromatosis, type 1. Last evaluated: 2020-10-26. Review status: criteria provided, single submitter. Criteria: ACMG Guidelines, 2015. Collection method: clinical testing. Allele origin: germline. Affected: yes.

NM_001042492.3(NF1):c.5933T>G (p.Leu1978Arg)

Gene: NF1 (neurofibromin 1; plus strand). Cytogenetic location: 17q11.2.
Variant type: single nucleotide variant.
Coding change: c.5933T>G on transcript NM_001042492.3 (MANE Select); coding-DNA position 5933, T replaced by G.
Protein change: p.Leu1978Arg; replaces leucine 1978 with arginine.
Molecular consequence: missense variant.
Genome position (GRCh38, 1-based): chr17:31,334,958, T>G. VCF-style: chr17-31334958-T-G. GRCh37 (hg19) VCF-style: chr17-29661976-T-G.
Other names: c.5870T>G, p.Leu1957Arg (NM_000267.4); short protein forms L1957R, L1978R.
Identifiers: ClinVar variation 996493 (VCV000996493.7), dbSNP rs2069606635, ClinGen allele CA399010819.